The following is an entry in ClinVar:

ClinVar aggregate classification (germline): Uncertain significance (1 of 4 stars; one submission).

Conditions:
Dilated cardiomyopathy 1G (CMD1G). Identifiers: Orphanet 154, MedGen C1858763, MONDO:0011400, OMIM 604145.
Autosomal recessive limb-girdle muscular dystrophy type 2J (LGMDR10). Also called: Limb-girdle muscular dystrophy, type 2J; MUSCULAR DYSTROPHY, LIMB-GIRDLE, AUTOSOMAL RECESSIVE 10. Identifiers: Orphanet 140922, MedGen C1837342, MONDO:0012127, OMIM 608807.

Submission:

Labcorp Genetics (formerly Invitae), Labcorp
Classification: Uncertain significance for Dilated cardiomyopathy 1G; Autosomal recessive limb-girdle muscular dystrophy type 2J. Last evaluated: 2022-08-16. Review status: criteria provided, single submitter. Criteria: Invitae Variant Classification Sherloc (09022015). Collection method: clinical testing. Allele origin: germline.
Comment: This sequence change replaces arginine, which is basic and polar, with glycine, which is neutral and non-polar, at codon 31802 of the TTN protein (p.Arg31802Gly). This variant is not present in population databases (gnomAD no frequency). This variant has not been reported in the literature in individuals affected with TTN-related conditions. Experimental studies and prediction algorithms are not available or were not evaluated, and the functional significance of this variant is currently unknown. This variant is located in the A band of TTN (PMID: 25589632). Variants in this region may be relevant for cardiac or neuromuscular disorders (PMID: 25589632, 23975875). In summary, the available evidence is currently insufficient to determine the role of this variant in disease. Therefore, it has been classified as a Variant of Uncertain Significance.

Literature cited by the submitters: PubMed 25589632; PubMed 23975875.

NM_001267550.2(TTN):c.95404A>G (p.Arg31802Gly)

Genes: TTN-AS1 (TTN antisense RNA 1; plus strand), TTN (titin; minus strand). Cytogenetic location: 2q31.2.
Variant type: single nucleotide variant.
Coding change: c.95404A>G on transcript NM_001267550.2 (MANE Select); coding-DNA position 95404, A replaced by G.
Protein change: p.Arg31802Gly; replaces arginine 31802 with glycine.
Molecular consequence: missense variant.
Genome position (GRCh38, 1-based): chr2:178,545,832, T>C on the plus strand (A>G on the coding strand, the complement: TTN is on the minus strand). VCF-style: chr2-178545832-T-C. GRCh37 (hg19) VCF-style: chr2-179410559-T-C.
Other names: c.90481A>G, p.Arg30161Gly (NM_001256850.1); c.68209A>G, p.Arg22737Gly (NM_003319.4); c.87700A>G, p.Arg29234Gly (NM_133378.4); c.68584A>G, p.Arg22862Gly (NM_133432.3); c.68785A>G, p.Arg22929Gly (NM_133437.4); short protein forms R22737G, R22929G, R30161G, R31802G, R22862G, R29234G.
Identifiers: ClinVar variation 2057927 (VCV002057927.4), dbSNP rs2469023602, ClinGen allele CA349462085.